The following is an entry in ClinVar:

NM_016203.4(PRKAG2):c.382C>T (p.Arg128Cys)

Gene: PRKAG2 (protein kinase AMP-activated non-catalytic subunit gamma 2; minus strand). Cytogenetic location: 7q36.1.
Variant type: single nucleotide variant.
Coding change: c.382C>T on transcript NM_016203.4 (MANE Select); coding-DNA position 382, C replaced by T.
Protein change: p.Arg128Cys; replaces arginine 128 with cysteine.
Molecular consequence: missense variant.
Genome position (GRCh38, 1-based): chr7:151,781,236, G>A on the plus strand (C>T on the coding strand, the complement: PRKAG2 is on the minus strand). VCF-style: chr7-151781236-G-A. GRCh37 (hg19) VCF-style: chr7-151478322-G-A.
Other names: c.250C>T, p.Arg84Cys (NM_001040633.2); c.382C>T (NM_016203.3); short protein forms R128C, R84C.
Identifiers: ClinVar variation 1002751 (VCV001002751.12), dbSNP rs2076651870, ClinGen allele CA370069485.

ClinVar aggregate classification (germline): Uncertain significance. Review status: criteria provided, multiple submitters, no conflicts (2 of 4 stars). 4 submissions from 4 submitters: Uncertain significance (4). Last evaluated 2025-11-21.

Conditions:
Lethal congenital glycogen storage disease of heart. Also called: GLYCOGEN STORAGE DISEASE OF HEART; PHOSPHORYLASE KINASE DEFICIENCY OF HEART. Identifiers: Orphanet 439854, MedGen C1849813, MONDO:0009867, OMIM 261740.
Cardiovascular phenotype. Identifiers: MedGen CN230736.
Hypertrophic cardiomyopathy. Also called: HYPERTROPHIC MYOCARDIOPATHY. Identifiers: Orphanet 217569, MedGen C0007194, MeSH D002312, MONDO:0005045, HP:0001639.

Allele frequency attached by ClinVar (database versions not stated): gnomAD exomes below 0.00001; TOPMed below 0.00001; gnomAD 0.00001.
gnomAD v4.1: 3 of 1,613,956 alleles (0.00019%); highest among the groups gnomAD compares: African/African-American, 0.0013%; no homozygotes.

Submissions (4):

Labcorp Genetics (formerly Invitae), Labcorp
Classification: Uncertain significance for Lethal congenital glycogen storage disease of heart. Last evaluated: 2025-11-21. Review status: criteria provided, single submitter. Criteria: Invitae Variant Classification Sherloc (09022015). Collection method: clinical testing. Allele origin: germline.
Comment: This sequence change replaces arginine, which is basic and polar, with cysteine, which is neutral and slightly polar, at codon 128 of the PRKAG2 protein (p.Arg128Cys). This variant is not present in population databases (gnomAD no frequency). This variant has not been reported in the literature in individuals affected with PRKAG2-related conditions. ClinVar contains an entry for this variant (Variation ID: 1002751). Invitae Evidence Modeling of protein sequence and biophysical properties (such as structural, functional, and spatial information, amino acid conservation, physicochemical variation, residue mobility, and thermodynamic stability) indicates that this missense variant is not expected to disrupt PRKAG2 protein function with a negative predictive value of 95%. In summary, the available evidence is currently insufficient to determine the role of this variant in disease. Therefore, it has been classified as a Variant of Uncertain Significance.

Ambry Genetics
Classification: Uncertain significance for Cardiovascular phenotype. Last evaluated: 2025-02-06. Review status: criteria provided, single submitter. Criteria: Ambry Variant Classification Scheme 2023. Collection method: clinical testing. Allele origin: germline.
Comment: The p.R128C variant (also known as c.382C>T), located in coding exon 3 of the PRKAG2 gene, results from a C to T substitution at nucleotide position 382. The arginine at codon 128 is replaced by cysteine, an amino acid with highly dissimilar properties. This amino acid position is conserved. In addition, this alteration is predicted to be deleterious by in silico analysis. Based on the available evidence, the clinical significance of this variant remains unclear.

All of Us Research Program, National Institutes of Health
Classification: Uncertain significance for Hypertrophic cardiomyopathy. Last evaluated: 2024-08-13. Review status: criteria provided, single submitter. Criteria: ACMG Guidelines, 2015. Collection method: clinical testing. Allele origin: germline. Inheritance: Autosomal dominant inheritance. Observed: 6 variant alleles, 6 heterozygotes.
Comment: This missense variant replaces arginine with cysteine at codon 128 of the PRKAG2 protein. Computational prediction is inconclusive regarding the impact of this variant on protein structure and function (internally defined REVEL score threshold 0.5 < inconclusive < 0.7, PMID: 27666373). To our knowledge, functional studies have not been reported for this variant. This variant has not been reported in individuals affected with PRKAG2-related disorders in the literature. This variant has not been identified in the general population by the Genome Aggregation Database (gnomAD). The available evidence is insufficient to determine the role of this variant in disease conclusively. Therefore, this variant is classified as a Variant of Uncertain Significance.

This study involves interpretation of variants in research participants for the purpose of population health screening. Participant phenotype was not available at the time of variant classification. Additional details can be found in publication PMID: 35346344, PMCID: PMC8962531

Blueprint Genetics
Classification: Uncertain significance. Last evaluated: 2023-09-14. Review status: criteria provided, single submitter. Criteria: ACMG Guidelines, 2015. Collection method: clinical testing. Allele origin: germline.